The following is an entry in ClinVar:

NM_019109.5(ALG1):c.208+19_208+20insTATG

Gene: ALG1 (ALG1 chitobiosyldiphosphodolichol beta-mannosyltransferase; plus strand). Cytogenetic location: 16p13.3.
Variant type: Insertion.
Coding change: c.208+19_208+20insTATG on transcript NM_019109.5 (MANE Select); bases 19 to 20 of the intron after coding-DNA position 208, TATG inserted.
Molecular consequence: intron variant.
Genome position: GRCh38 VCF-style: chr16-5072074-C-CTGTA. GRCh37 (hg19) VCF-style: chr16-5122075-C-CTGTA.
Identifiers: ClinVar variation 1380973 (VCV001380973.7), dbSNP rs756830715, ClinGen allele CA7889703.
Genomic context (GRCh38, chr16:5,072,074, plus strand): 5'-GTTGGCCATGCACGGCTTCTCGGTGACCCTCCTGGGGTTCTGCAGTGAGTGGCCAAGGGT[C>CTGTA]TGGGAGGGACGATGCTCTCTCAGCCGTTGATCCTCGGTTCTAACCGCCCCGGGGAGTCGA-3'

ClinVar aggregate classification (germline): Uncertain significance. Review status: criteria provided, multiple submitters, no conflicts (2 of 4 stars). 2 submissions from 2 submitters: Uncertain significance (2). Last evaluated 2024-01-08.

Conditions:
ALG1-congenital disorder of glycosylation. Also called: ALG1-CDG; CONGENITAL DISORDER OF GLYCOSYLATION, TYPE Ik; CDG Ik. Identifiers: Orphanet 79327, MedGen C2931005, MONDO:0012052, OMIM 608540.

Submissions (2):

Fulgent Genetics
Classification: Uncertain significance for ALG1-congenital disorder of glycosylation. Last evaluated: 2024-01-08. Review status: criteria provided, single submitter. Criteria: ACMG Guidelines, 2015. Collection method: clinical testing. Allele origin: germline.

Labcorp Genetics (formerly Invitae), Labcorp
Classification: Uncertain significance for ALG1-congenital disorder of glycosylation. Last evaluated: 2022-04-23. Review status: criteria provided, single submitter. Criteria: Invitae Variant Classification Sherloc (09022015). Collection method: clinical testing. Allele origin: germline.
Comment: The frequency data for this variant in the population databases is considered unreliable, as metrics indicate poor data quality at this position in the gnomAD database. This variant has not been reported in the literature in individuals affected with ALG1-related conditions. Algorithms developed to predict the effect of sequence changes on RNA splicing suggest that this variant may create or strengthen a splice site. In summary, the available evidence is currently insufficient to determine the role of this variant in disease. Therefore, it has been classified as a Variant of Uncertain Significance. This sequence change falls in intron 1 of the ALG1 gene. It does not directly change the encoded amino acid sequence of the ALG1 protein.